The following is an entry in ClinVar:

ClinVar aggregate classification (germline): Benign/Likely benign. Review status: criteria provided, multiple submitters, no conflicts (2 of 4 stars). 6 submissions from 5 submitters: Benign (2); Likely benign (4). Last evaluated 2026-01-25.

Conditions:
Fibrochondrogenesis 1 (FBCG1). Identifiers: Orphanet 2021, MedGen C3278138, MONDO:0009226, OMIM 228520.
Stickler syndrome type 2 (STL2). Also called: COL11A1-Related Stickler Syndrome; STICKLER SYNDROME, TYPE II; STICKLER SYNDROME, BEADED VITREOUS TYPE; STICKLER SYNDROME, VITREOUS TYPE 2. Identifiers: Orphanet 828, Orphanet 90654, MedGen C1858084, MONDO:0011493, OMIM 604841.

Allele frequency attached by ClinVar (database versions not stated): gnomAD exomes 0.00020 and 0.00057; ExAC 0.00074; 1000 Genomes Project 30x 0.00187; gnomAD 0.00197 and 0.00213; ESP Exome Variant Server 0.00223; TOPMed 0.00224; 1000 Genomes Project 0.00240.
gnomAD v4.1: 603 of 1,599,918 alleles (0.038%); highest among the groups gnomAD compares: African/African-American, 0.69%; 2 homozygotes.

Submissions (6):

Labcorp Genetics (formerly Invitae), Labcorp
Classification: Benign. Last evaluated: 2026-01-25. Review status: criteria provided, single submitter. Criteria: Invitae Variant Classification Sherloc (09022015). Collection method: clinical testing. Allele origin: germline.

ARUP Laboratories, Molecular Genetics and Genomics, ARUP Laboratories
Classification: Benign. Last evaluated: 2025-02-25. Review status: criteria provided, single submitter. Criteria: ARUP Molecular Germline Variant Investigation Process 2024. Collection method: clinical testing. Allele origin: germline.

Blueprint Genetics
Classification: Likely benign. Last evaluated: 2024-10-24. Review status: criteria provided, single submitter. Criteria: ACMG Guidelines, 2015. Collection method: clinical testing. Allele origin: germline.

GeneDx
Classification: Likely benign. Last evaluated: 2021-01-06. Review status: criteria provided, single submitter. Criteria: GeneDx Variant Classification Process June 2021. Collection method: clinical testing. Allele origin: germline. Affected: yes.

Illumina Laboratory Services, Illumina
Classification: Likely benign for Fibrochondrogenesis 1. Last evaluated: 2018-01-12. Review status: criteria provided, single submitter. Criteria: ICSL Variant Classification Criteria 13 December 2019. Collection method: clinical testing. Allele origin: germline.
Comment: This variant was observed in the ICSL laboratory as part of a predisposition screen in an ostensibly healthy population. It had not been previously curated by ICSL or reported in the Human Gene Mutation Database (HGMD: prior to June 1st, 2018), and was therefore a candidate for classification through an automated scoring system. Utilizing variant allele frequency, disease prevalence and penetrance estimates, and inheritance mode, an automated score was calculated to assess if this variant is too frequent to cause the disease. Based on the score and internal cut-off values, a variant classified as likely benign is not then subjected to further curation. The score for this variant resulted in a classification of likely benign for this disease.

Illumina Laboratory Services, Illumina
Classification: Likely benign for Stickler syndrome type 2. Last evaluated: 2018-01-12. Review status: criteria provided, single submitter. Criteria: ICSL Variant Classification Criteria 13 December 2019. Collection method: clinical testing. Allele origin: germline.
Comment: the same text as in the submission from Illumina Laboratory Services, Illumina above.

NM_001854.4(COL11A1):c.3925-11C>T

Gene: COL11A1 (collagen type XI alpha 1 chain; minus strand). Cytogenetic location: 1p21.1.
Variant type: single nucleotide variant.
Coding change: c.3925-11C>T on transcript NM_001854.4 (MANE Select); 11 bases into the intron before coding-DNA position 3925, C replaced by T.
Molecular consequence: intron variant.
Genome position (GRCh38, 1-based): chr1:102,914,416, G>A on the plus strand (C>T on the coding strand, the complement: COL11A1 is on the minus strand). VCF-style: chr1-102914416-G-A. GRCh37 (hg19) VCF-style: chr1-103379972-G-A.
Other names: c.3808-11C>T (NM_001190709.2); c.3961-11C>T (NM_080629.3); c.3577-11C>T (NM_080630.4).
Identifiers: ClinVar variation 380458 (VCV000380458.17), dbSNP rs192518657, ClinGen allele CA973762.
Genomic context (GRCh38, chr1:102,914,416, plus strand): 5'-GGGCCAGGTTCCCCAGGAGGACCAGGATCTCCAGGAAAACCAACAGGACCCTAGAATGAC[G>A]TTTTGAAAGAAAAAGAAATAAATGAAAAATAAATTTTTATAAAATTATGACATTCTGGAG-3'